The following is an entry in ClinVar:

NM_001370259.2(MEN1):c.750C>T (p.His250=)

Gene: MEN1 (menin 1; minus strand). Cytogenetic location: 11q13.1.
Variant type: single nucleotide variant.
Coding change: c.750C>T on transcript NM_001370259.2 (MANE Select); coding-DNA position 750, C replaced by T.
Protein change: p.His250=; no amino-acid change (histidine 250 retained).
Molecular consequence: synonymous variant. On other transcripts: non-coding transcript variant (4).
Genome position (GRCh38, 1-based): chr11:64,807,585, G>A on the plus strand (C>T on the coding strand, the complement: MEN1 is on the minus strand). VCF-style: chr11-64807585-G-A. GRCh37 (hg19) VCF-style: chr11-64575057-G-A.
Other names: c.765C>T, p.His255= (NM_000244.4, NM_001407145.1, NM_001407150.1 and 5 more transcripts); c.750C>T, p.His250= (NM_001370251.2, NM_001370260.2, NM_001370261.2 and 7 more transcripts); c.645C>T, p.His215= (NM_001370262.2, NM_001370263.2, NM_001407148.1 and 2 more transcripts).
Identifiers: ClinVar variation 1759251 (VCV001759251.6), dbSNP rs2497204154, ClinGen allele CA474983776.
Genomic context (GRCh38, chr11:64,807,585, plus strand): 5'-GTCCTGCCCCATTGGCTCAGCCCTCACCTGCTGCAGCTGCAGAAGCTCCAGCGAGTCGGT[G>A]TGCAGGTCAATGGAAGGGTTGATGGCACACACCATGAACGCCACCTCCATCTTGCGGTCA-3'
Protein context (NP_001357188.2, residues 240-260): VCAINPSIDL[His250=]TDSLELLQLQ

ClinVar aggregate classification (germline): Benign/Likely benign. Review status: criteria provided, multiple submitters, no conflicts (2 of 4 stars). 3 submissions from 3 submitters: Benign (1); Likely benign (2). Last evaluated 2024-11-01.

Conditions:
Hereditary cancer-predisposing syndrome. Also called: Neoplastic Syndromes, Hereditary; Tumor predisposition; Hereditary neoplastic syndrome; Hereditary Cancer Syndrome. Identifiers: Orphanet 140162, MedGen C0027672, MeSH D009386, MONDO:0015356.
Multiple endocrine neoplasia, type 1 (MEN1). Also called: MEN I; WERMER SYNDROME; Endocrine adenomatosis multiple; MEN 1; MEA I. Identifiers: Orphanet 652, MedGen C0025267, MeSH D018761, MONDO:0007540, OMIM 131100.

Allele frequency attached by ClinVar (database versions not stated): gnomAD exomes below 0.00001.
gnomAD v4.1: 1 of 1,614,194 alleles (0.000062%); highest among the groups gnomAD compares: Non-Finnish European, 0.000085%; no homozygotes.

Submissions (3):

Myriad Genetics, Inc.
Classification: Benign for Multiple endocrine neoplasia, type 1. Last evaluated: 2024-11-01. Review status: criteria provided, single submitter. Criteria: Myriad Autosomal Dominant, Autosomal Recessive and X-Linked Classification Criteria (2023). Collection method: clinical testing. Allele origin: unknown.
Comment: This variant is considered benign. This variant is a silent/synonymous amino acid change and it is not expected to impact splicing.

Labcorp Genetics (formerly Invitae), Labcorp
Classification: Likely benign for Multiple endocrine neoplasia, type 1. Last evaluated: 2023-11-25. Review status: criteria provided, single submitter. Criteria: Invitae Variant Classification Sherloc (09022015). Collection method: clinical testing. Allele origin: germline.

Ambry Genetics
Classification: Likely benign for Hereditary cancer-predisposing syndrome. Last evaluated: 2021-12-30. Review status: criteria provided, single submitter. Criteria: Ambry Variant Classification Scheme 2023. Collection method: clinical testing. Allele origin: germline.